The following is an entry in ClinVar:

NM_000478.6(ALPL):c.707A>G (p.Tyr236Cys)

Gene: ALPL (alkaline phosphatase, biomineralization associated; plus strand). Cytogenetic location: 1p36.12.
Variant type: single nucleotide variant.
Coding change: c.707A>G on transcript NM_000478.6 (MANE Select); coding-DNA position 707, A replaced by G.
Protein change: p.Tyr236Cys; replaces tyrosine 236 with cysteine.
Molecular consequence: missense variant.
Genome position (GRCh38, 1-based): chr1:21,568,162, A>G. VCF-style: chr1-21568162-A-G. GRCh37 (hg19) VCF-style: chr1-21894655-A-G.
Other names: c.707A>G (NM_000478.5); c.542A>G, p.Tyr181Cys (NM_001127501.4); c.476A>G, p.Tyr159Cys (NM_001177520.3); c.707A>G, p.Tyr236Cys (NM_001369803.2, NM_001369804.2, NM_001369805.2); short protein forms Y159C, Y181C, Y236C.
Identifiers: ClinVar variation 2666835 (VCV002666835.10), dbSNP rs533959092, ClinGen allele CA19063433.
Genomic context (GRCh38, chr1:21,568,162, plus strand): 5'-AGGTGATCATGGGGGGTGGCCGGAAATACATGTACCCCAAGAATAAAACTGATGTGGAGT[A>G]TGAGAGTGACGAGAAAGCCAGGGGCACGAGGCTGGACGGCCTGGACCTCGTTGACACCTG-3'
Protein context (NP_000469.3, residues 226-246): MYPKNKTDVE[Tyr236Cys]ESDEKARGTR

ClinVar aggregate classification (germline): Pathogenic/Likely pathogenic. Review status: criteria provided, multiple submitters, no conflicts (2 of 4 stars). 6 submissions from 6 submitters: Pathogenic (1); Likely pathogenic (5). Last evaluated 2025-08-29.

Conditions:
Adult hypophosphatasia. Identifiers: Orphanet 247676, Orphanet 436, MedGen C0268413, MONDO:1010154, OMIM 146300, MONDO:0007798.
Childhood hypophosphatasia. Identifiers: Orphanet 247667, Orphanet 436, MedGen C0220743, MONDO:1010168, OMIM 241510, MONDO:0009428.
Infantile hypophosphatasia. Identifiers: Orphanet 247651, Orphanet 436, MedGen C0268412, MONDO:1010169, OMIM 241500, MONDO:0009427.
Hypophosphatasia. Also called: Phosphoethanol-aminuria. Identifiers: Orphanet 436, MedGen C0020630, MeSH D007014, MONDO:0018570.

Allele frequency attached by ClinVar (database versions not stated): gnomAD exomes below 0.00001; gnomAD 0.00001; 1000 Genomes Project 30x 0.00016; 1000 Genomes Project 0.00020.
gnomAD v4.1: 3 of 1,614,080 alleles (0.00019%); highest among the groups gnomAD compares: East Asian, 0.0045%; no homozygotes.

Submissions (6):

Genomenon, Inc
Classification: Likely pathogenic for Hypophosphatasia. Last evaluated: 2025-08-29. Review status: criteria provided, single submitter. Criteria: Genomenon Sequence Variant Interpretation Standards. Collection method: curation. Allele origin: germline. Affected: yes.
Comment: ALPL c.707A>G is a missense variant that changes the amino acid at residue 236 from Tyrosine to Cysteine. This variant has been observed in at least one proband affected with hypophosphatasia (PMID:34712267). It is absent or not present at a significant frequency in gnomAD. In silico models agree that this variant is possibly or probably damaging. In conclusion, we classify ALPL p.Tyr236Cys (c.707A>G) as a likely pathogenic variant.

Labcorp Genetics (formerly Invitae), Labcorp
Classification: Pathogenic. Last evaluated: 2025-07-04. Review status: criteria provided, single submitter. Criteria: Invitae Variant Classification Sherloc (09022015). Collection method: clinical testing. Allele origin: germline.
Comment: This sequence change replaces tyrosine, which is neutral and polar, with cysteine, which is neutral and slightly polar, at codon 236 of the ALPL protein (p.Tyr236Cys). This variant is present in population databases (rs533959092, gnomAD 0.003%). This missense change has been observed in individual(s) with autosomal recessive hypophosphatasia (PMID: 34712267). In at least one individual the data is consistent with being in trans (on the opposite chromosome) from a pathogenic variant. ClinVar contains an entry for this variant (Variation ID: 2666835). Invitae Evidence Modeling of protein sequence and biophysical properties (such as structural, functional, and spatial information, amino acid conservation, physicochemical variation, residue mobility, and thermodynamic stability) indicates that this missense variant is expected to disrupt ALPL protein function with a positive predictive value of 95%. For these reasons, this variant has been classified as Pathogenic.

Natera, Inc.
Classification: Likely pathogenic for Hypophosphatasia. Last evaluated: 2025-05-08. Review status: criteria provided, single submitter. Criteria: Natera Variant Classification Schema (03/2026). Collection method: clinical testing. Allele origin: germline.
Comment: The c.707A>G variant in ALPL is a missense variant predicted to cause substitution of tyrosine to cysteine at amino acid 236. This variant is rare in the general population with a frequency below the threshold expected for the associated phenotype(s). This variant has been observed in one or more individuals affected with the associated recessive disease, as either homozygous or compound heterozygous with a second variant (PMID: 34712267). Computational prediction algorithms indicate this variant is likely to affect gene or protein function. Given the available evidence, this variant is classified as Likely Pathogenic.

JKU Lab, Dept of Paediatrics, Johannes Kepler University
Classification: Likely pathogenic for Hypophosphatasia. Last evaluated: 2023-12-05. Review status: criteria provided, single submitter. Criteria: ACMG Guidelines, 2015. Collection method: clinical testing. Allele origin: germline. Affected: yes. Observed: 1 compound heterozygote.
Comment: GnomAD frequency 0.00079535% (2). Functional testing at the JKU lab showed reduced ALP residual activity. The functional test results and ACMG criteria applied can be looked up in the ALPL gene variant database.

Baylor Genetics
Classification: Likely pathogenic for Adult hypophosphatasia. Last evaluated: 2023-11-14. Review status: criteria provided, single submitter. Criteria: ACMG Guidelines, 2015. Collection method: clinical testing. Allele origin: unknown.

Juno Genomics, Hangzhou Juno Genomics, Inc
Classification: Likely pathogenic for Adult hypophosphatasia; Childhood hypophosphatasia; Infantile hypophosphatasia. Review status: criteria provided, single submitter. Criteria: ACMG Guidelines, 2015. Collection method: clinical testing. Allele origin: germline.
Comment: Absent from controls (or at extremely low frequency if recessive) in Genome Aggregation Database.;Multiple lines of computational evidence support a deleterious effect on the gene or gene product.;For recessive disorders, detected in trans with a pathogenic variant.

Literature cited by the submitters: PubMed 34712267 (cited by 4 submitters).